The following is an entry in ClinVar:

ClinVar aggregate classification (germline): Likely benign. Review status: criteria provided, multiple submitters, no conflicts (2 of 4 stars). 2 submissions from 2 submitters: Likely benign (2). Last evaluated 2025-09-04.

Conditions:
POLD1-related polyposis and colorectal cancer syndrome (CRCS10). Also called: Colorectal cancer, susceptibility to, 10; Colorectal cancer 10; COLORECTAL CANCER, SUSCEPTIBILITY TO, ON CHROMOSOME 19q. Identifiers: Orphanet 220460, MedGen C2675481, MONDO:0012953, OMIM 612591.

Allele frequency attached by ClinVar (database versions not stated): TOPMed below 0.00001; gnomAD exomes 0.00001.
gnomAD v4.1: 4 of 1,581,980 alleles (0.00025%); highest among the groups gnomAD compares: Non-Finnish European, 0.00035%; no homozygotes.

Submissions (2):

Labcorp Genetics (formerly Invitae), Labcorp
Classification: Likely benign for POLD1-related polyposis and colorectal cancer syndrome. Last evaluated: 2025-09-04. Review status: criteria provided, single submitter. Criteria: Invitae Variant Classification Sherloc (09022015). Collection method: clinical testing. Allele origin: germline.

GeneDx
Classification: Likely benign. Last evaluated: 2016-03-03. Review status: criteria provided, single submitter. Criteria: GeneDx Variant Classification (06012015). Collection method: clinical testing. Allele origin: germline. Affected: yes.
Comment: This variant is considered likely benign or benign based on one or more of the following criteria: it is a conservative change, it occurs at a poorly conserved position in the protein, it is predicted to be benign by multiple in silico algorithms, and/or has population frequency not consistent with disease.

NM_002691.4(POLD1):c.316+12G>T

Gene: POLD1 (DNA polymerase delta 1, catalytic subunit; plus strand). Cytogenetic location: 19q13.33.
Variant type: single nucleotide variant.
Coding change: c.316+12G>T on transcript NM_002691.4 (MANE Select); 12 bases into the intron after coding-DNA position 316, G replaced by T.
Molecular consequence: intron variant.
Genome position (GRCh38, 1-based): chr19:50,399,496, G>T. VCF-style: chr19-50399496-G-T. GRCh37 (hg19) VCF-style: chr19-50902753-G-T.
Other names: c.316+12G>T (LRG_785t2, NM_001256849.1, NM_001308632.1 and 1 more transcripts).
Identifiers: ClinVar variation 384471 (VCV000384471.5), dbSNP rs1057521966, ClinGen allele CA16608243.